The following is an entry in ClinVar:

ClinVar aggregate classification (germline): Uncertain significance (1 of 4 stars; one submission).

Conditions:
Hypertrophic cardiomyopathy 14. Identifiers: MedGen C2750467, MONDO:0013197, OMIM 613251.

Submission:

Labcorp Genetics (formerly Invitae), Labcorp
Classification: Uncertain significance for Hypertrophic cardiomyopathy 14. Last evaluated: 2020-05-13. Review status: criteria provided, single submitter. Criteria: Invitae Variant Classification Sherloc (09022015). Collection method: clinical testing. Allele origin: germline.
Comment: In summary, the available evidence is currently insufficient to determine the role of this variant in disease. Therefore, it has been classified as a Variant of Uncertain Significance. Algorithms developed to predict the effect of missense changes on protein structure and function are either unavailable or do not agree on the potential impact of this missense change (SIFT: "Tolerated"; PolyPhen-2: "Probably Damaging"; Align-GVGD: "Class C0"). This variant has not been reported in the literature in individuals with MYH6-related conditions. This variant is not present in population databases (ExAC no frequency). This sequence change replaces alanine with proline at codon 260 of the MYH6 protein (p.Ala260Pro). The alanine residue is weakly conserved and there is a small physicochemical difference between alanine and proline.

NM_002471.4(MYH6):c.778G>C (p.Ala260Pro)

Gene: MYH6 (myosin heavy chain 6; minus strand). Cytogenetic location: 14q11.2.
Variant type: single nucleotide variant.
Coding change: c.778G>C on transcript NM_002471.4 (MANE Select); coding-DNA position 778, G replaced by C.
Protein change: p.Ala260Pro; replaces alanine 260 with proline.
Molecular consequence: missense variant.
Genome position (GRCh38, 1-based): chr14:23,403,736, C>G on the plus strand (G>C on the coding strand, the complement: MYH6 is on the minus strand). VCF-style: chr14-23403736-C-G. GRCh37 (hg19) VCF-style: chr14-23872945-C-G.
Other names: short protein forms A260P.
Identifiers: ClinVar variation 1022249 (VCV001022249.8), dbSNP rs1332026608, ClinGen allele CA389028613.